The following is an entry in ClinVar:

ClinVar aggregate classification (germline): Uncertain significance (1 of 4 stars; one submission).

gnomAD v4.1: 2 of 1,614,124 alleles (0.00012%); highest among the groups gnomAD compares: African/African-American, 0.0013%; no homozygotes.

Submission:

Ambry Genetics
Classification: Uncertain significance. Last evaluated: 2025-02-27. Review status: criteria provided, single submitter. Criteria: Ambry Variant Classification Scheme 2023. Collection method: clinical testing. Allele origin: germline.
Comment: The p.I485V variant (also known as c.1453A>G), located in coding exon 8 of the PKP4 gene, results from an A to G substitution at nucleotide position 1453. The isoleucine at codon 485 is replaced by valine, an amino acid with highly similar properties. This amino acid position is conserved. In addition, this alteration is predicted to be tolerated by in silico analysis. Based on the available evidence, the clinical significance of this variant remains unclear.

NM_003628.6(PKP4):c.1453A>G (p.Ile485Val)

Gene: PKP4 (plakophilin 4; plus strand). Cytogenetic location: 2q24.1.
Variant type: single nucleotide variant.
Coding change: c.1453A>G on transcript NM_003628.6 (MANE Select); coding-DNA position 1453, A replaced by G.
Protein change: p.Ile485Val; replaces isoleucine 485 with valine.
Molecular consequence: missense variant.
Genome position (GRCh38, 1-based): chr2:158,634,180, A>G. VCF-style: chr2-158634180-A-G. GRCh37 (hg19) VCF-style: chr2-159490692-A-G.
Other names: c.1453A>G, p.Ile485Val (NM_001005476.4, NM_001304971.2, NM_001377218.1 and 1 more transcripts); c.1450A>G, p.Ile484Val (NM_001304969.3, NM_001377219.1, NM_001377220.1 and 2 more transcripts); c.424A>G, p.Ile142Val (NM_001304970.3); c.1447A>G, p.Ile483Val (NM_001377222.1, NM_001377223.1); c.1444A>G, p.Ile482Val (NM_001377224.1); short protein forms I142V, I482V, I485V, I484V, I483V.
Identifiers: ClinVar variation 3889691 (VCV003889691.1).